The following is an entry in ClinVar:

ClinVar aggregate classification (germline): Likely pathogenic (1 of 4 stars; one submission).

gnomAD v4.1: 2 of 1,535,390 alleles (0.00013%); highest among the groups gnomAD compares: South Asian, 0.0012%; no homozygotes.

Submission:

Dasa
Classification: Likely pathogenic. Last evaluated: 2025-08-25. Review status: criteria provided, single submitter. Criteria: DASA Assertion Criteria. Collection method: clinical testing. Allele origin: germline.
Comment: NM_001171613.2(PREPL):c.486-2A>C affects a canonical splice site and is predicted to disrupt normal RNA splicing. Loss of function is an established disease mechanism for PREPL-associated disorders. This variant has been observed in affected individuals with PREPL-related disorders. Also, this variant is rare in population databases. Based on the currently available evidence, this variant is classified as likely pathogenic.

NM_001171613.2(PREPL):c.486-2A>C

Gene: PREPL (prolyl endopeptidase like; minus strand). Cytogenetic location: 2p21.
Variant type: single nucleotide variant.
Coding change: c.486-2A>C on transcript NM_001171613.2 (MANE Select); the canonical splice acceptor site of the intron before coding-DNA position 486, A replaced by C.
Molecular consequence: splice acceptor variant.
Genome position (GRCh38, 1-based): chr2:44,339,365, T>G on the plus strand (A>C on the coding strand, the complement: PREPL is on the minus strand). VCF-style: chr2-44339365-T-G. GRCh37 (hg19) VCF-style: chr2-44566504-T-G.
Other names: c.486-2A>C (NM_001171617.1, NM_001374277.1); c.753-2A>C (NM_001171603.1, NM_001374275.1, NM_001374276.1 and 4 more transcripts).
Identifiers: ClinVar variation 4882087 (VCV004882087.2).